The following is an entry in ClinVar:

NM_001079843.3(CASZ1):c.5079GGACGA[1] (p.1693ED[1])

Gene: CASZ1 (castor zinc finger 1; minus strand). Cytogenetic location: 1p36.22.
Variant type: Microsatellite.
Coding change: c.5079GGACGA[1] on transcript NM_001079843.3 (MANE Select); one copy of the 6-base unit GGACGA starting at c.5079; the reference has two copies in a row; one copy, 6 bases deleted; also written c.5085_5090del.
Protein change: p.1693ED[1].
Molecular consequence: inframe deletion.
Genome position (GRCh38, 1-based): chr1:10,639,132-10,639,137, TCGTCC deleted on the plus strand (GGACGA on the coding strand, the reverse complement: CASZ1 is on the minus strand); deleting any 6 consecutive bases within chr1:10,639,132-10,639,148 gives the same sequence; the position shown is the placement nearest the transcript's 3' end. VCF-style (leftmost placement, unchanged base first): chr1-10639131-GTCGTCC-G. GRCh37 (hg19) VCF-style: chr1-10699188-GTCGTCC-G.
Other names: c.5085_5090del (NM_001079843.2).
Identifiers: ClinVar variation 787205 (VCV000787205.12), dbSNP rs746886067, ClinGen allele CA584086.

ClinVar aggregate classification (germline): Benign/Likely benign. Review status: criteria provided, multiple submitters, no conflicts (2 of 4 stars). 3 submissions from 3 submitters: Benign (1); Likely benign (2). Last evaluated 2026-09-01.

Submissions (3):

CeGaT Center for Human Genetics Tuebingen
Classification: Benign. Last evaluated: 2026-09-01. Review status: criteria provided, single submitter. Criteria: CeGaT Center For Human Genetics Tuebingen Variant Classification Criteria Version 2. Collection method: clinical testing. Allele origin: germline. Affected: yes. Observed: 3 variant alleles.
Comment: CASZ1: BS1, BS2

Labcorp Genetics (formerly Invitae), Labcorp
Classification: Likely benign. Last evaluated: 2025-08-02. Review status: criteria provided, single submitter. Criteria: Invitae Variant Classification Sherloc (09022015). Collection method: clinical testing. Allele origin: germline.

Blueprint Genetics
Classification: Likely benign. Last evaluated: 2024-11-25. Review status: criteria provided, single submitter. Criteria: ACMG Guidelines, 2015. Collection method: clinical testing. Allele origin: germline.